The following is an entry in ClinVar:

ClinVar aggregate classification (germline): Uncertain significance (1 of 4 stars; one submission).

Conditions:
Rhabdoid tumor predisposition syndrome 2 (RTPS2). Identifiers: Orphanet 231108, Orphanet 69077, MedGen C2750074, MONDO:0013224, OMIM 613325.

Submission:

Labcorp Genetics (formerly Invitae), Labcorp
Classification: Uncertain significance for Rhabdoid tumor predisposition syndrome 2. Last evaluated: 2019-01-27. Review status: criteria provided, single submitter. Criteria: Invitae Variant Classification Sherloc (09022015). Collection method: clinical testing. Allele origin: germline.
Comment: Algorithms developed to predict the effect of missense changes on protein structure and function are either unavailable or do not agree on the potential impact of this missense change (SIFT: "Deleterious"; PolyPhen-2: "Benign"; Align-GVGD: "Class C65"). This variant has not been reported in the literature in individuals with SMARCA4-related conditions. This variant is not present in population databases (ExAC no frequency). This sequence change replaces isoleucine with serine at codon 352 of the SMARCA4 protein (p.Ile352Ser). The isoleucine residue is highly conserved and there is a large physicochemical difference between isoleucine and serine. In summary, the available evidence is currently insufficient to determine the role of this variant in disease. Therefore, it has been classified as a Variant of Uncertain Significance.

NM_003072.5(SMARCA4):c.1055T>G (p.Ile352Ser)

Gene: SMARCA4 (SWI/SNF related BAF chromatin remodeling complex subunit ATPase 4; plus strand). Cytogenetic location: 19p13.2.
Variant type: single nucleotide variant.
Coding change: c.1055T>G on transcript NM_003072.5 (MANE Select); coding-DNA position 1055, T replaced by G.
Protein change: p.Ile352Ser; replaces isoleucine 352 with serine.
Molecular consequence: missense variant. On other transcripts: non-coding transcript variant (1).
Genome position (GRCh38, 1-based): chr19:10,987,861, T>G. VCF-style: chr19-10987861-T-G. GRCh37 (hg19) VCF-style: chr19-11098537-T-G.
Other names: c.1055T>G, p.Ile352Ser (NM_001128844.3, NM_001128845.2, NM_001128846.2 and 4 more transcripts); short protein forms I352S.
Identifiers: ClinVar variation 852373 (VCV000852373.9), dbSNP rs1568427448, ClinGen allele CA404058722.